The following is an entry in ClinVar:

NM_001194998.2(CEP152):c.1797del (p.Ser600fs)

Gene: CEP152 (centrosomal protein 152; minus strand). Cytogenetic location: 15q21.1.
Variant type: Deletion.
Coding change: c.1797del on transcript NM_001194998.2 (MANE Select); coding-DNA position 1797, one base deleted (C; older notation c.1797delC).
Protein change: p.Ser600fs; shifts the reading frame from serine 600.
Molecular consequence: frameshift variant.
Genome position (GRCh38, 1-based): chr15:48,769,067, G deleted on the plus strand (C on the coding strand, the reverse complement: CEP152 is on the minus strand); the first of 2 consecutive G bases (chr15:48,769,067-48,769,068); deleting either gives the same sequence. VCF-style (leftmost placement, unchanged base first): chr15-48769066-AG-A. GRCh37 (hg19) VCF-style: chr15-49061263-AG-A.
Other names: c.1797del, p.Ser600fs (NM_014985.4); short protein forms S600fs.
Identifiers: ClinVar variation 2990413 (VCV002990413.3), dbSNP rs531410403, ClinGen allele CA269552671.

ClinVar aggregate classification (germline): Pathogenic (1 of 4 stars; one submission).

Submission:

Labcorp Genetics (formerly Invitae), Labcorp
Classification: Pathogenic. Last evaluated: 2024-02-26. Review status: criteria provided, single submitter. Criteria: Invitae Variant Classification Sherloc (09022015). Collection method: clinical testing. Allele origin: germline.
Comment: This sequence change creates a premature translational stop signal (p.Ser600Glnfs*46) in the CEP152 gene. It is expected to result in an absent or disrupted protein product. Loss-of-function variants in CEP152 are known to be pathogenic (PMID: 21131973). This variant is present in population databases (rs531410403, gnomAD 0.0009%). This variant has not been reported in the literature in individuals affected with CEP152-related conditions. For these reasons, this variant has been classified as Pathogenic.

Literature cited by the submitters: PubMed 21131973.